The following is an entry in ClinVar:

NM_003846.3(PEX11B):c.56+5G>C

Gene: PEX11B (peroxisomal biogenesis factor 11 beta; minus strand). Cytogenetic location: 1q21.1.
Variant type: single nucleotide variant.
Coding change: c.56+5G>C on transcript NM_003846.3 (MANE Select); 5 bases into the intron after coding-DNA position 56, G replaced by C.
Molecular consequence: intron variant.
Genome position (GRCh38, 1-based): chr1:145,918,628, C>G on the plus strand (G>C on the coding strand, the complement: PEX11B is on the minus strand). VCF-style: chr1-145918628-C-G. GRCh37 (hg19) VCF-style: chr1-145516461-G-C.
Identifiers: ClinVar variation 2044205 (VCV002044205.4), dbSNP rs781866393, ClinGen allele CA29817389.

ClinVar aggregate classification (germline): Uncertain significance (1 of 4 stars; one submission).

Submission:

Labcorp Genetics (formerly Invitae), Labcorp
Classification: Uncertain significance. Last evaluated: 2024-10-21. Review status: criteria provided, single submitter. Criteria: Invitae Variant Classification Sherloc (09022015). Collection method: clinical testing. Allele origin: germline.
Comment: This sequence change falls in intron 1 of the PEX11B gene. It does not directly change the encoded amino acid sequence of the PEX11B protein. It affects a nucleotide within the consensus splice site. This variant is not present in population databases (gnomAD no frequency). This variant has not been reported in the literature in individuals affected with PEX11B-related conditions. ClinVar contains an entry for this variant (Variation ID: 2044205). Variants that disrupt the consensus splice site are a relatively common cause of aberrant splicing (PMID: 17576681, 9536098). Algorithms developed to predict the effect of sequence changes on RNA splicing suggest that this variant may disrupt the consensus splice site. In summary, the available evidence is currently insufficient to determine the role of this variant in disease. Therefore, it has been classified as a Variant of Uncertain Significance.

Literature cited by the submitters: PubMed 17576681; PubMed 9536098.